The following is an entry in ClinVar:

ClinVar aggregate classification (germline): Benign/Likely benign. Review status: criteria provided, multiple submitters, no conflicts (2 of 4 stars). 13 submissions from 13 submitters: Benign (3); Likely benign (9). 1 of the submissions does not count toward it. Last evaluated 2026-02-03.

Conditions:
Hereditary cancer-predisposing syndrome. Also called: Neoplastic Syndromes, Hereditary; Hereditary neoplastic syndrome; Tumor predisposition; Hereditary Cancer Syndrome. Identifiers: Orphanet 140162, MedGen C0027672, MeSH D009386, MONDO:0015356.
Colorectal cancer, susceptibility to, 12 (CRCS12). Also called: COLORECTAL CANCER, SUSCEPTIBILITY TO, ON CHROMOSOME 12q24. Identifiers: Orphanet 220460, MedGen C3554460, MONDO:0014038, OMIM 615083.

Allele frequency attached by ClinVar (database versions not stated): gnomAD exomes 0.00005 and 0.00025; gnomAD 0.00027 and 0.00036; TOPMed 0.00027; ExAC 0.00030; ESP Exome Variant Server 0.00031; 1000 Genomes Project 30x 0.00156; 1000 Genomes Project 0.00180.
gnomAD v4.1: 172 of 1,613,616 alleles (0.011%); highest among the groups gnomAD compares: East Asian, 0.13%; no homozygotes.

Submissions (13):

Labcorp Genetics (formerly Invitae), Labcorp
Classification: Benign. Last evaluated: 2026-02-03. Review status: criteria provided, single submitter. Criteria: Invitae Variant Classification Sherloc (09022015). Collection method: clinical testing. Allele origin: germline.

Women's Health and Genetics/Laboratory Corporation of America, LabCorp
Classification: Likely benign. Last evaluated: 2025-09-14. Review status: criteria provided, single submitter. Criteria: LabCorp Variant Classification Summary - May 2015. Collection method: clinical testing. Allele origin: germline.

Center for Genomic Medicine, Rigshospitalet, Copenhagen University Hospital
Classification: Likely benign. Last evaluated: 2025-03-04. Review status: criteria provided, single submitter. Criteria: ACMG Guidelines, 2015. Collection method: clinical testing. Allele origin: germline.

Blueprint Genetics
Classification: Likely benign. Last evaluated: 2024-11-26. Review status: criteria provided, single submitter. Criteria: ACMG Guidelines, 2015. Collection method: clinical testing. Allele origin: germline.

KCCC/NGS Laboratory, Kuwait Cancer Control Center
Classification: Benign for Colorectal cancer, susceptibility to, 12. Last evaluated: 2023-07-07. Review status: criteria provided, single submitter. Criteria: ACMG Guidelines, 2015. Collection method: clinical testing. Allele origin: germline. Affected: yes.

CeGaT Center for Human Genetics Tuebingen
Classification: Likely benign. Last evaluated: 2023-04-01. Review status: criteria provided, single submitter. Criteria: CeGaT Center For Human Genetics Tuebingen Variant Classification Criteria Version 2. Collection method: clinical testing. Allele origin: germline. Affected: yes. Observed: 1 variant allele.
Comment: POLE: BP4, BP7

GeneDx
Classification: Likely benign. Last evaluated: 2021-10-11. Review status: criteria provided, single submitter. Criteria: GeneDx Variant Classification Process June 2021. Collection method: clinical testing. Allele origin: germline. Affected: yes.

Sema4
Classification: Likely benign for Hereditary cancer-predisposing syndrome. Last evaluated: 2021-05-28. Review status: criteria provided, single submitter. Criteria: Sema4 Curation Guidelines. Collection method: curation. Allele origin: germline.

Quest Diagnostics Nichols Institute San Juan Capistrano
Classification: Benign. Last evaluated: 2018-03-21. Review status: criteria provided, single submitter. Criteria: Quest Diagnostics criteria. Collection method: clinical testing. Allele origin: germline.

PreventionGenetics, part of Exact Sciences
Classification: Likely benign. Last evaluated: 2017-07-07. Review status: criteria provided, single submitter. Criteria: ACMG Guidelines, 2015. Collection method: clinical testing. Allele origin: germline.

Ambry Genetics
Classification: Likely benign for Hereditary cancer-predisposing syndrome. Last evaluated: 2015-06-28. Review status: criteria provided, single submitter. Criteria: Ambry Variant Classification Scheme 2023. Collection method: clinical testing. Allele origin: germline.

Breakthrough Genomics
Classification: Likely benign. Review status: criteria provided, single submitter. Criteria: ACMG Guidelines, 2015. Collection method: not provided. Allele origin: germline. Inheritance: Autosomal recessive inheritance. Affected: yes.

Department of Pathology and Laboratory Medicine, Sinai Health System
Classification: Likely benign. Review status: no assertion criteria provided. Collection method: clinical testing. Allele origin: unknown. Affected: yes. Observed: 1 variant allele. Study: The Canadian Open Genetics Repository (COGR). Not counted in ClinVar's aggregate classification.
Comment: The POLE p.Phe1647= variant was not identified in the literature nor was it identified in the Cosmic, or MutDB, databases. The variant was identified in dbSNP (ID: rs145639967) as "With Likely benign allele", and in ClinVar database (classified as benign by Invitae; as likely benign by GeneDx, Ambry Genetics and Prevention Genetics). The variant was identified in control databases in 60 of 276406 chromosomes at a frequency of 0.0002 increasing the likelihood this could be a low frequency benign variant (Genome Aggregation Database Feb 27, 2017). The variant was observed in the following populations: African in 20 of 23994 chromosomes (freq: 0.0008), Other in 2 of 6460 chromosomes (freq: 0.0003), European in 1 of 126126 chromosomes (freq: 0.000008), East Asian in 30 of 18860 chromosomes (freq: 0.002), and South Asian in 7 of 30774 chromosomes (freq: 0.0002), while the variant was not observed in the Latino, Ashkenazi Jewish, and Finnish, populations. The p.Phe1647= variant is not expected to have clinical significance because it does not result in a change of amino acid and is not located in a known consensus splice site. In addition, in silico or computational prediction software programs (SpliceSiteFinder, MaxEntScan, NNSPLICE, GeneSplicer, HumanSpliceFinder) do not predict a difference in splicing. In summary, based on the above information the clinical significance of this variant cannot be determined with certainty at this time although we would lean towards a more benign role for this variant. This variant is classified as likely benign.

NM_006231.4(POLE):c.4941C>T (p.Phe1647=)

Gene: POLE (DNA polymerase epsilon, catalytic subunit; minus strand). Cytogenetic location: 12q24.33.
Variant type: single nucleotide variant.
Coding change: c.4941C>T on transcript NM_006231.4 (MANE Select); coding-DNA position 4941, C replaced by T.
Protein change: p.Phe1647=; no amino-acid change (phenylalanine 1647 retained).
Molecular consequence: synonymous variant.
Genome position (GRCh38, 1-based): chr12:132,642,517, G>A on the plus strand (C>T on the coding strand, the complement: POLE is on the minus strand). VCF-style: chr12-132642517-G-A. GRCh37 (hg19) VCF-style: chr12-133219103-G-A.
Identifiers: ClinVar variation 381786 (VCV000381786.62), dbSNP rs145639967, ClinGen allele CA6892678.
Genomic context (GRCh38, chr12:132,642,517, plus strand): 5'-CCGGCTCTGCCTGGGGACCACTGGCCCACAACGACAGTACTGTGCTCACCTGCTCATCTC[G>A]AAGGCCTGCGACAGGCAGGTGTCCAGGTTGAGGTAGTGACGGATCATGCGCCGGGCTCCA-3'
Protein context (NP_006222.2, residues 1637-1657): LNLDTCLSQA[Phe1647=]EMSRYFHIPI